The following is an entry in ClinVar:

NM_015122.3(FCHO1):c.1327G>C (p.Ala443Pro)

Gene: FCHO1 (FCH and mu domain containing endocytic adaptor 1; plus strand). Cytogenetic location: 19p13.11.
Variant type: single nucleotide variant.
Coding change: c.1327G>C on transcript NM_015122.3 (MANE Select); coding-DNA position 1327, G replaced by C.
Protein change: p.Ala443Pro; replaces alanine 443 with proline.
Molecular consequence: missense variant. On other transcripts: non-coding transcript variant (24), intron variant (1).
Genome position (GRCh38, 1-based): chr19:17,778,204, G>C. VCF-style: chr19-17778204-G-C. GRCh37 (hg19) VCF-style: chr19-17889013-G-C.
Other names: c.1327G>C, p.Ala443Pro (NM_001161357.2, NM_001161358.2, NM_001384370.1 and 25 more transcripts); c.1177G>C, p.Ala393Pro (NM_001161359.2, NM_001384384.1, NM_001384385.1 and 2 more transcripts); c.1288G>C, p.Ala430Pro (NM_001384388.1, NM_001384389.1, NM_001384405.1); c.1252G>C, p.Ala418Pro (NM_001384390.1); c.1282G>C, p.Ala428Pro (NM_001384403.1); c.1057+1933G>C (NM_001384407.1); short protein forms A393P, A418P, A430P, A443P, A428P.
Identifiers: ClinVar variation 1429154 (VCV001429154.5), dbSNP rs746205875, ClinGen allele CA9300484.

ClinVar aggregate classification (germline): Uncertain significance (1 of 4 stars; one submission).

Allele frequency attached by ClinVar (database versions not stated): gnomAD exomes below 0.00001 and 0.00001; ExAC 0.00001; gnomAD 0.00001; TOPMed 0.00003.
gnomAD v4.1: 3 of 1,613,810 alleles (0.00019%); highest among the groups gnomAD compares: African/African-American, 0.004%; no homozygotes.

Submission:

Labcorp Genetics (formerly Invitae), Labcorp
Classification: Uncertain significance. Last evaluated: 2021-08-20. Review status: criteria provided, single submitter. Criteria: Invitae Variant Classification Sherloc (09022015). Collection method: clinical testing. Allele origin: germline.
Comment: This sequence change replaces alanine with proline at codon 443 of the FCHO1 protein (p.Ala443Pro). The alanine residue is moderately conserved and there is a small physicochemical difference between alanine and proline. This variant is present in population databases (rs746205875, ExAC 0.01%). This variant has not been reported in the literature in individuals affected with FCHO1-related conditions. Algorithms developed to predict the effect of missense changes on protein structure and function are either unavailable or do not agree on the potential impact of this missense change (SIFT: "Tolerated"; PolyPhen-2: "Probably Damaging"; Align-GVGD: "Class C0"). In summary, the available evidence is currently insufficient to determine the role of this variant in disease. Therefore, it has been classified as a Variant of Uncertain Significance.